The following is an entry in ClinVar:

ClinVar aggregate classification (germline): Uncertain significance. Review status: criteria provided, multiple submitters, no conflicts (2 of 4 stars). 2 submissions from 2 submitters: Uncertain significance (2). Last evaluated 2024-04-12.

Allele frequency attached by ClinVar (database versions not stated): gnomAD exomes 0.00002.
gnomAD v4.1: 27 of 1,613,528 alleles (0.0017%); highest among the groups gnomAD compares: Non-Finnish European, 0.0022%; no homozygotes.

Submissions (2):

Labcorp Genetics (formerly Invitae), Labcorp
Classification: Uncertain significance. Last evaluated: 2024-04-12. Review status: criteria provided, single submitter. Criteria: Invitae Variant Classification Sherloc (09022015). Collection method: clinical testing. Allele origin: germline.
Comment: This sequence change replaces alanine, which is neutral and non-polar, with valine, which is neutral and non-polar, at codon 915 of the HMCN1 protein (p.Ala915Val). This variant is not present in population databases (gnomAD no frequency). This variant has not been reported in the literature in individuals affected with HMCN1-related conditions. ClinVar contains an entry for this variant (Variation ID: 1986574). An algorithm developed to predict the effect of missense changes on protein structure and function (PolyPhen-2) suggests that this variant is likely to be disruptive. In summary, the available evidence is currently insufficient to determine the role of this variant in disease. Therefore, it has been classified as a Variant of Uncertain Significance.

Ambry Genetics
Classification: Uncertain significance. Last evaluated: 2023-12-20. Review status: criteria provided, single submitter. Criteria: Ambry Variant Classification Scheme 2023. Collection method: clinical testing. Allele origin: germline.

NM_031935.3(HMCN1):c.2744C>T (p.Ala915Val)

Gene: HMCN1 (hemicentin 1; plus strand). Cytogenetic location: 1q31.1.
Variant type: single nucleotide variant.
Coding change: c.2744C>T on transcript NM_031935.3 (MANE Select); coding-DNA position 2744, C replaced by T.
Protein change: p.Ala915Val; replaces alanine 915 with valine.
Molecular consequence: missense variant.
Genome position (GRCh38, 1-based): chr1:185,982,343, C>T. VCF-style: chr1-185982343-C-T. GRCh37 (hg19) VCF-style: chr1-185951475-C-T.
Other names: c.2744C>T (NM_031935.2); short protein forms A915V.
Identifiers: ClinVar variation 1986574 (VCV001986574.5), dbSNP rs2527356873, ClinGen allele CA343887459.
Genomic context (GRCh38, chr1:185,982,343, plus strand): 5'-GCCCTTCAGTGGCCAATGTTATTGAAGGACAGCAGCTTACTTTGCCCTGTACTCTGTTAG[C>T]TGGAAATCCCATTCCAGAACGTCGGTGGATTAAGAATTCAGCTATGGTAAGAACATTTTA-3'
Protein context (NP_114141.2, residues 905-925): QQLTLPCTLL[Ala915Val]GNPIPERRWI